The following is an entry in ClinVar:

NM_012120.3(CD2AP):c.221G>T (p.Arg74Met)

Gene: CD2AP (CD2 associated protein; plus strand). Cytogenetic location: 6p12.3.
Variant type: single nucleotide variant.
Coding change: c.221G>T on transcript NM_012120.3 (MANE Select); coding-DNA position 221, G replaced by T.
Protein change: p.Arg74Met; replaces arginine 74 with methionine.
Molecular consequence: missense variant.
Genome position (GRCh38, 1-based): chr6:47,533,657, G>T. VCF-style: chr6-47533657-G-T. GRCh37 (hg19) VCF-style: chr6-47501393-G-T.
Other names: short protein forms R74M.
Identifiers: ClinVar variation 911543 (VCV000911543.7), dbSNP rs758523796, ClinGen allele CA3843926.

ClinVar aggregate classification (germline): Uncertain significance. Review status: criteria provided, multiple submitters, no conflicts (2 of 4 stars). 3 submissions from 3 submitters: Uncertain significance (3). Last evaluated 2024-08-08.

Conditions:
Focal segmental glomerulosclerosis 3, susceptibility to (FSGS3). Identifiers: Orphanet 656, MedGen C1842982, MONDO:0011917, OMIM 607832.

Allele frequency attached by ClinVar (database versions not stated): TOPMed 0.00001; ExAC 0.00002; gnomAD exomes 0.00002.
gnomAD v4.1: 112 of 1,614,066 alleles (0.0069%); highest among the groups gnomAD compares: East Asian, 0.25%; 1 homozygote.

Submissions (3):

Labcorp Genetics (formerly Invitae), Labcorp
Classification: Uncertain significance. Last evaluated: 2024-08-08. Review status: criteria provided, single submitter. Criteria: Invitae Variant Classification Sherloc (09022015). Collection method: clinical testing. Allele origin: germline.
Comment: This sequence change replaces arginine, which is basic and polar, with methionine, which is neutral and non-polar, at codon 74 of the CD2AP protein (p.Arg74Met). This variant is present in population databases (rs758523796, gnomAD 0.02%). This missense change has been observed in individuals with autosomal dominant focal segmental glomerulosclerosis (PMID: 26467726, 28658201). ClinVar contains an entry for this variant (Variation ID: 911543). Advanced modeling of protein sequence and biophysical properties (such as structural, functional, and spatial information, amino acid conservation, physicochemical variation, residue mobility, and thermodynamic stability) performed at Invitae indicates that this missense variant is not expected to disrupt CD2AP protein function with a negative predictive value of 80%. In summary, the available evidence is currently insufficient to determine the role of this variant in disease. Therefore, it has been classified as a Variant of Uncertain Significance.

Fulgent Genetics
Classification: Uncertain significance for Focal segmental glomerulosclerosis 3, susceptibility to. Last evaluated: 2022-03-03. Review status: criteria provided, single submitter. Criteria: ACMG Guidelines, 2015. Collection method: clinical testing. Allele origin: unknown.

Illumina Laboratory Services, Illumina
Classification: Uncertain significance for Focal segmental glomerulosclerosis 3, susceptibility to. Last evaluated: 2017-04-27. Review status: criteria provided, single submitter. Criteria: ICSL Variant Classification Criteria 13 December 2019. Collection method: clinical testing. Allele origin: germline.

Literature cited by the submitters: PubMed 26467726 (cited by Labcorp Genetics (formerly Invitae), Labcorp); PubMed 28658201 (cited by Labcorp Genetics (formerly Invitae), Labcorp).